The following is an entry in ClinVar:

NM_001005498.4(RHBDF2):c.151-50G>A

Gene: RHBDF2 (rhomboid 5 homolog 2; minus strand). Cytogenetic location: 17q25.1.
Variant type: single nucleotide variant.
Coding change: c.151-50G>A on transcript NM_001005498.4 (MANE Select); 50 bases into the intron before coding-DNA position 151, G replaced by A.
Molecular consequence: intron variant. On other transcripts: missense variant (1).
Genome position (GRCh38, 1-based): chr17:76,479,904, C>T on the plus strand (G>A on the coding strand, the complement: RHBDF2 is on the minus strand). VCF-style: chr17-76479904-C-T. GRCh37 (hg19) VCF-style: chr17-74475986-C-T.
Other names: c.188G>A, p.Arg63Lys (NM_024599.5); c.151-50G>A (NM_001376230.1, NM_001376228.1, NM_001376229.1); short protein forms R63K.
Identifiers: ClinVar variation 3689757 (VCV003689757.2).
Genomic context (GRCh38, chr17:76,479,904, plus strand): 5'-GGGTTCTTCCTCTTGGGGAGGAAGGAGGGAGGGCAGGCGGTGGTGTGTGCAGCCCAGGTC[C>T]TGGGCTGGCTTTTCTTTAGCCTCCTATTCTGAAAACCCTGAGAACAAACTTCAACCCTGA-3'

ClinVar aggregate classification (germline): Uncertain significance (1 of 4 stars; one submission).

gnomAD v4.1: 2 of 1,603,380 alleles (0.00012%); highest among the groups gnomAD compares: Non-Finnish European, 0.000085%; no homozygotes.

Submission:

Labcorp Genetics (formerly Invitae), Labcorp
Classification: Uncertain significance. Last evaluated: 2024-03-21. Review status: criteria provided, single submitter. Criteria: Invitae Variant Classification Sherloc (09022015). Collection method: clinical testing. Allele origin: germline.
Comment: This sequence change replaces arginine, which is basic and polar, with lysine, which is basic and polar, at codon 63 of the RHBDF2 protein (p.Arg63Lys). This variant is not present in population databases (gnomAD no frequency). This variant has not been reported in the literature in individuals affected with RHBDF2-related conditions. An algorithm developed to predict the effect of missense changes on protein structure and function (PolyPhen-2) suggests that this variant is likely to be tolerated. In summary, the available evidence is currently insufficient to determine the role of this variant in disease. Therefore, it has been classified as a Variant of Uncertain Significance.